The following is an entry in ClinVar:

NM_005045.4(RELN):c.9793C>A (p.Leu3265Ile)

Genes: SLC26A5-AS1 (SLC26A5 antisense RNA 1; plus strand), RELN (reelin; minus strand). Cytogenetic location: 7q22.1.
Variant type: single nucleotide variant.
Coding change: c.9793C>A on transcript NM_005045.4 (MANE Select); coding-DNA position 9793, C replaced by A.
Protein change: p.Leu3265Ile; replaces leucine 3265 with isoleucine.
Molecular consequence: missense variant.
Genome position (GRCh38, 1-based): chr7:103,486,387, G>T on the plus strand (C>A on the coding strand, the complement: RELN is on the minus strand). VCF-style: chr7-103486387-G-T. GRCh37 (hg19) VCF-style: chr7-103126834-G-T.
Other names: c.9793C>A, p.Leu3265Ile (NM_173054.3); short protein forms L3265I.
Identifiers: ClinVar variation 2938373 (VCV002938373.3), dbSNP rs2485699432, ClinGen allele CA368742172.
Genomic context (GRCh38, chr7:103,486,387, plus strand): 5'-TCTCCCAGTTTGCCTCGGTGACTCTTGCGGACTCAAAATTATCTTTAATATAACTGGGAA[G>T]GTCGTGACTGAAAACAGAGCAGTCATCACCTAGAGGACAAGGAGCAGTCACAGAAATTAA-3'
Protein context (NP_005036.2, residues 3255-3275): GDDCSVFSHD[Leu3265Ile]PSYIKDNFES

ClinVar aggregate classification (germline): Uncertain significance (1 of 4 stars; one submission).

Conditions:
Norman-Roberts syndrome (LIS2). Also called: Lissencephaly 2 (Norman-Roberts type). Identifiers: Orphanet 89844, MedGen C0796089, MONDO:0009760, OMIM 257320.
Familial temporal lobe epilepsy 7. Identifiers: Orphanet 101046, MedGen C4225327, MONDO:0014639, OMIM 616436.

Submission:

Labcorp Genetics (formerly Invitae), Labcorp
Classification: Uncertain significance for Familial temporal lobe epilepsy 7; Norman-Roberts syndrome. Last evaluated: 2023-05-09. Review status: criteria provided, single submitter. Criteria: Invitae Variant Classification Sherloc (09022015). Collection method: clinical testing. Allele origin: germline.
Comment: This sequence change replaces leucine, which is neutral and non-polar, with isoleucine, which is neutral and non-polar, at codon 3265 of the RELN protein (p.Leu3265Ile). This variant is not present in population databases (gnomAD no frequency). This variant has not been reported in the literature in individuals affected with RELN-related conditions. Advanced modeling of protein sequence and biophysical properties (such as structural, functional, and spatial information, amino acid conservation, physicochemical variation, residue mobility, and thermodynamic stability) has been performed at Invitae for this missense variant, however the output from this modeling did not meet the statistical confidence thresholds required to predict the impact of this variant on RELN protein function. In summary, the available evidence is currently insufficient to determine the role of this variant in disease. Therefore, it has been classified as a Variant of Uncertain Significance.